The following is an entry in ClinVar:

NM_001130144.3(LTBP3):c.3269C>T (p.Ala1090Val)

Genes: LTBP3 (latent transforming growth factor beta binding protein 3; minus strand), LOC121832793 (Sharpr-MPRA regulatory region 4001; plus strand). Cytogenetic location: 11q13.1.
Variant type: single nucleotide variant.
Coding change: c.3269C>T on transcript NM_001130144.3 (MANE Select); coding-DNA position 3269, C replaced by T.
Protein change: p.Ala1090Val; replaces alanine 1090 with valine.
Molecular consequence: missense variant. On other transcripts: intron variant (2).
Genome position (GRCh38, 1-based): chr11:65,540,129, G>A on the plus strand (C>T on the coding strand, the complement: LTBP3 is on the minus strand). VCF-style: chr11-65540129-G-A. GRCh37 (hg19) VCF-style: chr11-65307600-G-A.
Other names: c.2893+116C>T (NM_001164266.1); c.3244+116C>T (NM_021070.4); short protein forms A1090V.
Identifiers: ClinVar variation 1941600 (VCV001941600.5), dbSNP rs1171616019, ClinGen allele CA381267251.

ClinVar aggregate classification (germline): Uncertain significance (1 of 4 stars; one submission).

Conditions:
Brachyolmia-amelogenesis imperfecta syndrome. Also called: PLATYSPONDYLY WITH AMELOGENESIS IMPERFECTA; Tooth agenesis, selective, 6; Dental anomalies and short stature. Identifiers: Orphanet 2899, MedGen C1832594, MONDO:0011018, OMIM 601216. Disease mechanism: loss of function.

Allele frequency attached by ClinVar (database versions not stated): TOPMed 0.00001.

Submission:

Labcorp Genetics (formerly Invitae), Labcorp
Classification: Uncertain significance for Brachyolmia-amelogenesis imperfecta syndrome. Last evaluated: 2022-04-12. Review status: criteria provided, single submitter. Criteria: Invitae Variant Classification Sherloc (09022015). Collection method: clinical testing. Allele origin: germline.
Comment: This sequence change replaces alanine, which is neutral and non-polar, with valine, which is neutral and non-polar, at codon 1090 of the LTBP3 protein (p.Ala1090Val). The frequency data for this variant in the population databases is considered unreliable, as metrics indicate poor data quality at this position in the gnomAD database. This variant has not been reported in the literature in individuals affected with LTBP3-related conditions. Algorithms developed to predict the effect of missense changes on protein structure and function are either unavailable or do not agree on the potential impact of this missense change (SIFT: "Deleterious"; PolyPhen-2: "Benign"; Align-GVGD: "Class C0"). In summary, the available evidence is currently insufficient to determine the role of this variant in disease. Therefore, it has been classified as a Variant of Uncertain Significance.